The following is an entry in ClinVar:

ClinVar aggregate classification (germline): Uncertain significance (1 of 4 stars; one submission).

Submission:

Labcorp Genetics (formerly Invitae), Labcorp
Classification: Uncertain significance. Last evaluated: 2022-08-20. Review status: criteria provided, single submitter. Criteria: Invitae Variant Classification Sherloc (09022015). Collection method: clinical testing. Allele origin: germline.
Comment: In summary, the available evidence is currently insufficient to determine the role of this variant in disease. Therefore, it has been classified as a Variant of Uncertain Significance. Algorithms developed to predict the effect of sequence changes on RNA splicing suggest that this variant may create or strengthen a splice site. This variant has not been reported in the literature in individuals affected with MSH3-related conditions. This variant is not present in population databases (gnomAD no frequency). This sequence change falls in intron 1 of the MSH3 gene. It does not directly change the encoded amino acid sequence of the MSH3 protein.

NM_002439.5(MSH3):c.238-5T>G

Gene: MSH3 (mutS homolog 3; plus strand). Cytogenetic location: 5q14.1.
Variant type: single nucleotide variant.
Coding change: c.238-5T>G on transcript NM_002439.5 (MANE Select); 5 bases into the intron before coding-DNA position 238, T replaced by G.
Molecular consequence: intron variant.
Genome position (GRCh38, 1-based): chr5:80,656,406, T>G. VCF-style: chr5-80656406-T-G. GRCh37 (hg19) VCF-style: chr5-79952225-T-G.
Identifiers: ClinVar variation 2025415 (VCV002025415.4), dbSNP rs1290501462, ClinGen allele CA2580073641.